The following is an entry in ClinVar:

NM_000138.5(FBN1):c.175T>C (p.Cys59Arg)

Gene: FBN1 (fibrillin 1; minus strand). Cytogenetic location: 15q21.1.
Variant type: single nucleotide variant.
Coding change: c.175T>C on transcript NM_000138.5 (MANE Select); coding-DNA position 175, T replaced by C.
Protein change: p.Cys59Arg; replaces cysteine 59 with arginine.
Molecular consequence: missense variant.
Genome position (GRCh38, 1-based): chr15:48,613,082, A>G on the plus strand (T>C on the coding strand, the complement: FBN1 is on the minus strand). VCF-style: chr15-48613082-A-G. GRCh37 (hg19) VCF-style: chr15-48905279-A-G.
Other names: short protein forms C59R.
Identifiers: ClinVar variation 1460089 (VCV001460089.6), dbSNP rs2140737589, ClinGen allele CA392448513.

ClinVar aggregate classification (germline): Pathogenic (1 of 4 stars; one submission).

Conditions:
Marfan syndrome (MFS). Also called: MARFAN SYNDROME, TYPE I; Marfan syndrome type 1; Marfan's syndrome; Marfan syndrome, classic; FBN1-Related Marfan Syndrome. Identifiers: Orphanet 284963, Orphanet 558, MedGen C0024796, MONDO:0007947, OMIM 154700.
Familial thoracic aortic aneurysm and aortic dissection (TAAD). Also called: Thoracic aortic aneurysms and dissections. Identifiers: Orphanet 91387, MedGen C4707243, MONDO:0019625.

Submission:

Labcorp Genetics (formerly Invitae), Labcorp
Classification: Pathogenic for Marfan syndrome; Familial thoracic aortic aneurysm and aortic dissection. Last evaluated: 2022-08-16. Review status: criteria provided, single submitter. Criteria: Invitae Variant Classification Sherloc (09022015). Collection method: clinical testing. Allele origin: germline.
Comment: For these reasons, this variant has been classified as Pathogenic. This variant affects a cysteine residue in the EGF-like, TGFBP or hybrid motif domains of FBN1. Cysteine residues are believed to be involved in intramolecular disulfide bridges and have been shown to be important for FBN1 protein structure (PMID: 16905551, 19349279). In addition, missense substitutions affecting cysteine residues within these domains are significantly overrepresented among patients with Marfan syndrome (PMID: 16571647, 17701892). Advanced modeling of protein sequence and biophysical properties (such as structural, functional, and spatial information, amino acid conservation, physicochemical variation, residue mobility, and thermodynamic stability) performed at Invitae indicates that this missense variant is expected to disrupt FBN1 protein function. ClinVar contains an entry for this variant (Variation ID: 1460089). This missense change has been observed in individuals with Marfan syndrome (PMID: 22216297, 29357934). This variant is not present in population databases (gnomAD no frequency). This sequence change replaces cysteine, which is neutral and slightly polar, with arginine, which is basic and polar, at codon 59 of the FBN1 protein (p.Cys59Arg).

Literature cited by the submitters: PubMed 16905551; PubMed 19349279; PubMed 16571647; PubMed 17701892; PubMed 22216297; PubMed 29357934.